The following is an entry in ClinVar:

ClinVar aggregate classification (germline): Uncertain significance (1 of 4 stars; one submission).

Conditions:
POLD1-related polyposis and colorectal cancer syndrome (CRCS10). Also called: Colorectal cancer 10; COLORECTAL CANCER, SUSCEPTIBILITY TO, ON CHROMOSOME 19q; Colorectal cancer, susceptibility to, 10. Identifiers: Orphanet 220460, MedGen C2675481, MONDO:0012953, OMIM 612591.

Submission:

Labcorp Genetics (formerly Invitae), Labcorp
Classification: Uncertain significance for POLD1-related polyposis and colorectal cancer syndrome. Last evaluated: 2019-06-06. Review status: criteria provided, single submitter. Criteria: Invitae Variant Classification Sherloc (09022015). Collection method: clinical testing. Allele origin: germline.
Comment: This sequence change replaces arginine with glycine at codon 506 of the POLD1 protein (p.Arg506Gly). The arginine residue is highly conserved and there is a moderate physicochemical difference between arginine and glycine. This variant is not present in population databases (ExAC no frequency). This variant has not been reported in the literature in individuals with POLD1-related conditions. Algorithms developed to predict the effect of missense changes on protein structure and function are either unavailable or do not agree on the potential impact of this missense change (SIFT: "Deleterious"; PolyPhen-2: "Probably Damaging"; Align-GVGD: "Class C0"). In summary, the available evidence is currently insufficient to determine the role of this variant in disease. Therefore, it has been classified as a Variant of Uncertain Significance.

NM_002691.4(POLD1):c.1516C>G (p.Arg506Gly)

Gene: POLD1 (DNA polymerase delta 1, catalytic subunit; plus strand). Cytogenetic location: 19q13.33.
Variant type: single nucleotide variant.
Coding change: c.1516C>G on transcript NM_002691.4 (MANE Select); coding-DNA position 1516, C replaced by G.
Protein change: p.Arg506Gly; replaces arginine 506 with glycine.
Molecular consequence: missense variant. On other transcripts: non-coding transcript variant (1).
Genome position (GRCh38, 1-based): chr19:50,407,004, C>G. VCF-style: chr19-50407004-C-G. GRCh37 (hg19) VCF-style: chr19-50910261-C-G.
Other names: c.1516C>G, p.Arg506Gly (NM_001256849.1, NM_001308632.1); short protein forms R506G.
Identifiers: ClinVar variation 944942 (VCV000944942.9), dbSNP rs528292347, ClinGen allele CA406980787.